The following is an entry in ClinVar:

ClinVar aggregate classification (germline): Benign/Likely benign. Review status: criteria provided, multiple submitters, no conflicts (2 of 4 stars). 3 submissions from 3 submitters: Benign (2); Likely benign (1). Last evaluated 2025-12-23.

Conditions:
MCM2-related disorder. Also called: MCM2-related condition.

Allele frequency attached by ClinVar (database versions not stated): TOPMed 0.00002; gnomAD 0.00006; 1000 Genomes Project 30x 0.00031; 1000 Genomes Project 0.00040.
gnomAD v4.1: 224 of 1,613,882 alleles (0.014%); highest among the groups gnomAD compares: South Asian, 0.18%; 5 homozygotes.

Submissions (3):

PreventionGenetics, part of Exact Sciences
Classification: Likely benign for MCM2-related condition. Last evaluated: 2025-12-23. Review status: criteria provided, single submitter. Criteria: ACMG Guidelines, 2015. Collection method: clinical testing. Allele origin: germline.
Comment: This variant is classified as likely benign based on ACMG/AMP sequence variant interpretation guidelines (Richards et al. 2015 PMID: 25741868, with internal and published modifications).

Labcorp Genetics (formerly Invitae), Labcorp
Classification: Benign. Last evaluated: 2025-08-25. Review status: criteria provided, single submitter. Criteria: Invitae Variant Classification Sherloc (09022015). Collection method: clinical testing. Allele origin: germline.

GeneDx
Classification: Benign. Last evaluated: 2019-12-27. Review status: criteria provided, single submitter. Criteria: GeneDx Variant Classification Process June 2021. Collection method: clinical testing. Allele origin: germline. Affected: yes.

NM_004526.4(MCM2):c.1998C>T (p.Thr666=)

Gene: MCM2 (minichromosome maintenance complex component 2; plus strand). Cytogenetic location: 3q21.3.
Variant type: single nucleotide variant.
Coding change: c.1998C>T on transcript NM_004526.4 (MANE Select); coding-DNA position 1998, C replaced by T.
Protein change: p.Thr666=; no amino-acid change (threonine 666 retained).
Molecular consequence: synonymous variant. On other transcripts: non-coding transcript variant (1).
Genome position (GRCh38, 1-based): chr3:127,618,066, C>T. VCF-style: chr3-127618066-C-T. GRCh37 (hg19) VCF-style: chr3-127336909-C-T.
Identifiers: ClinVar variation 1272571 (VCV001272571.7), dbSNP rs111530425, ClinGen allele CA2596077.
Genomic context (GRCh38, chr3:127,618,066, plus strand): 5'-CGTGGACCTCACAGAGCCCATCATCTCACGCTTTGACATCCTGTGTGTGGTGAGGGACAC[C>T]GTGGACCCAGTCCAGGTATAGCTCACATGTGCCCGGTTTCCATGAACTGTGGTTTGGGGA-3'
Protein context (NP_004517.2, residues 656-676): RFDILCVVRD[Thr666=]VDPVQDEMLA